The following is an entry in ClinVar:

NM_000628.5(IL10RB):c.377C>T (p.Ser126Phe)

Genes: IFNAR2-IL10RB (IFNAR2-IL10RB readthrough; plus strand), IL10RB (interleukin 10 receptor subunit beta; plus strand). Cytogenetic location: 21q22.11.
Variant type: single nucleotide variant.
Coding change: c.377C>T on transcript NM_000628.5 (MANE Select); coding-DNA position 377, C replaced by T.
Protein change: p.Ser126Phe; replaces serine 126 with phenylalanine.
Molecular consequence: missense variant. On other transcripts: non-coding transcript variant (1).
Genome position (GRCh38, 1-based): chr21:33,279,797, C>T. VCF-style: chr21-33279797-C-T. GRCh37 (hg19) VCF-style: chr21-34652102-C-T.
Other names: c.1037C>T, p.Ser346Phe (NM_001414505.1); c.377C>T, p.Ser126Phe (NM_001405849.1, NM_001405850.1, NM_001406840.1); short protein forms S126F, S346F.
Identifiers: ClinVar variation 2000573 (VCV002000573.4), dbSNP rs1163600433, ClinGen allele CA410109528.

ClinVar aggregate classification (germline): Uncertain significance (1 of 4 stars; one submission).

Conditions:
Inflammatory bowel disease 25. Also called: Inflammatory bowel disease 25, early onset, autosomal recessive. Identifiers: Orphanet 238569, MedGen C2675508, MONDO:0012941, OMIM 612567.

gnomAD v4.1: 1 of 1,613,824 alleles (0.000062%); highest among the groups gnomAD compares: Non-Finnish European, 0.000085%; no homozygotes.

Submission:

Labcorp Genetics (formerly Invitae), Labcorp
Classification: Uncertain significance for Inflammatory bowel disease 25. Last evaluated: 2022-06-08. Review status: criteria provided, single submitter. Criteria: Invitae Variant Classification Sherloc (09022015). Collection method: clinical testing. Allele origin: germline.
Comment: In summary, the available evidence is currently insufficient to determine the role of this variant in disease. Therefore, it has been classified as a Variant of Uncertain Significance. Algorithms developed to predict the effect of missense changes on protein structure and function are either unavailable or do not agree on the potential impact of this missense change (SIFT: "Deleterious"; PolyPhen-2: "Benign"; Align-GVGD: "Class C0"). This variant has not been reported in the literature in individuals affected with IL10RB-related conditions. This variant is not present in population databases (gnomAD no frequency). This sequence change replaces serine, which is neutral and polar, with phenylalanine, which is neutral and non-polar, at codon 126 of the IL10RB protein (p.Ser126Phe).